The following is an entry in ClinVar:

ClinVar aggregate classification (germline): Benign/Likely benign. Review status: criteria provided, multiple submitters, no conflicts (2 of 4 stars). 3 submissions from 3 submitters: Benign (1); Likely benign (2). Last evaluated 2025-03-18.

Allele frequency attached by ClinVar (database versions not stated): 1000 Genomes Project 30x 0.00390; 1000 Genomes Project 0.00399; gnomAD 0.00775 and 0.00754; gnomAD exomes 0.01160 and 0.00722; ExAC 0.00738; TOPMed 0.00743; ESP Exome Variant Server 0.00777.
gnomAD v4.1: 17,962 of 1,609,946 alleles (1.1%); highest among the groups gnomAD compares: Non-Finnish European, 1.4%; 111 homozygotes.

Submissions (4):

Mayo Clinic Laboratories, Mayo Clinic
Classification: Benign. Last evaluated: 2025-03-18. Review status: criteria provided, single submitter. Criteria: ACMG Guidelines, 2015. Collection method: clinical testing. Allele origin: germline. Observed: 1 variant allele.
Comment: BS1, BS2, BP4, BP7

GeneDx
Classification: Likely benign. Last evaluated: 2019-02-11. Review status: criteria provided, single submitter. Criteria: GeneDx Variant Classification Process June 2021. Collection method: clinical testing. Allele origin: germline. Affected: yes.

Breakthrough Genomics
Classification: Likely benign. Review status: criteria provided, single submitter. Criteria: ACMG Guidelines, 2015. Collection method: not provided. Allele origin: germline. Inheritance: Autosomal recessive inheritance. Affected: yes.

Dr. Peter K. Rogan Lab, Western University
No classification provided (evidence only). Condition: Ovarian serous cystadenocarcinoma. Review status: no classification provided. Collection method: in vitro. Allele origin: not applicable. Functional consequence: retained intron. Not counted in ClinVar's aggregate classification.

NM_001081.4(CUBN):c.6463-24T>G

Gene: CUBN (cubilin; minus strand). Cytogenetic location: 10p13.
Variant type: single nucleotide variant.
Coding change: c.6463-24T>G on transcript NM_001081.4 (MANE Select); 24 bases into the intron before coding-DNA position 6463, T replaced by G.
Molecular consequence: intron variant.
Genome position (GRCh38, 1-based): chr10:16,925,448, A>C on the plus strand (T>G on the coding strand, the complement: CUBN is on the minus strand). VCF-style: chr10-16925448-A-C. GRCh37 (hg19) VCF-style: chr10-16967447-A-C.
Other names: NC_000010.10:g.16967447A>C; p.?.
Identifiers: ClinVar variation 1186231 (VCV001186231.5), dbSNP rs75312629, ClinGen allele CA5423665.